The following is an entry in ClinVar:

ClinVar aggregate classification (germline): Likely benign. Review status: criteria provided, multiple submitters, no conflicts (2 of 4 stars). 2 submissions from 2 submitters: Likely benign (2). Last evaluated 2025-11-01.

gnomAD v4.1: 484 of 1,613,974 alleles (0.03%); highest among the groups gnomAD compares: African/African-American, 0.57%; 3 homozygotes.

Submissions (2):

CeGaT Center for Human Genetics Tuebingen
Classification: Likely benign. Last evaluated: 2025-11-01. Review status: criteria provided, single submitter. Criteria: CeGaT Center For Human Genetics Tuebingen Variant Classification Criteria Version 2. Collection method: clinical testing. Allele origin: germline. Affected: yes. Observed: 1 variant allele.
Comment: PI4KA: BP4, BP7

Blueprint Genetics
Classification: Likely benign. Last evaluated: 2024-07-11. Review status: criteria provided, single submitter. Criteria: ACMG Guidelines, 2015. Collection method: clinical testing. Allele origin: germline.

NM_058004.4(PI4KA):c.876G>A (p.Gly292=)

Gene: PI4KA (phosphatidylinositol 4-kinase alpha; minus strand). Cytogenetic location: 22q11.21.
Variant type: single nucleotide variant.
Coding change: c.876G>A on transcript NM_058004.4 (MANE Select); coding-DNA position 876, G replaced by A.
Protein change: p.Gly292=; no amino-acid change (glycine 292 retained).
Molecular consequence: synonymous variant.
Genome position (GRCh38, 1-based): chr22:20,813,487, C>T on the plus strand (G>A on the coding strand, the complement: PI4KA is on the minus strand). VCF-style: chr22-20813487-C-T. GRCh37 (hg19) VCF-style: chr22-21167775-C-T.
Other names: c.876G>A, p.Gly292= (NM_001362862.2, NM_001362863.2).
Identifiers: ClinVar variation 4534021 (VCV004534021.7).